The following is an entry in ClinVar:

ClinVar aggregate classification (germline): Uncertain significance (1 of 4 stars; one submission).

Conditions:
Dyskeratosis congenita, autosomal dominant 1 (DKCA1). Also called: Dyskeratosis congenita Scoggins type. Identifiers: Orphanet 1775, MedGen C4551974, MONDO:0007485, OMIM 127550. Inheritance: Variable.

Allele frequency attached by ClinVar (database versions not stated): gnomAD exomes below 0.00001.
gnomAD v4.1: 1 of 730,178 alleles (0.00014%); no homozygotes.

Submission:

Labcorp Genetics (formerly Invitae), Labcorp
Classification: Uncertain significance for Dyskeratosis congenita, autosomal dominant 1. Last evaluated: 2020-03-03. Review status: criteria provided, single submitter. Criteria: Invitae Variant Classification Sherloc (09022015). Collection method: clinical testing. Allele origin: germline.
Comment: In summary, the available evidence is currently insufficient to determine the role of this variant in disease. Therefore, it has been classified as a Variant of Uncertain Significance. This variant is located within the conserved regions 4 and 5 (CR4-CR5) domain of the TERC RNA component, which is required for telomerase activity (PMID: 15082312, 21844345). Functional studies testing the effect of this variant on TERC secondary structure or function have not been reported. This variant has not been reported in the literature in individuals with TERC-related conditions. The frequency data for this variant in the population databases is considered unreliable, as metrics indicate insufficient coverage at this position in the ExAC database. This variant occurs in the TERC gene, which encodes an RNA molecule that does not result in a protein product.

Literature cited by the submitters: PubMed 15082312; PubMed 21844345.

NC_000003.12:g.169764805G>A

Genes: TERC (telomerase RNA component; minus strand), LOC110806306 (telomerase RNA component (TERC) promoter; plus strand). Cytogenetic location: 3q26.2.
Variant type: single nucleotide variant.
Genome position: GRCh38 VCF-style: chr3-169764805-G-A. GRCh37 (hg19) VCF-style: chr3-169482593-G-A.
Identifiers: ClinVar variation 1038460 (VCV001038460.9), dbSNP rs1777960849, ClinGen allele CA436715259.